The following is an entry in ClinVar:

ClinVar aggregate classification (germline): Uncertain significance. Review status: criteria provided, multiple submitters, no conflicts (2 of 4 stars). 2 submissions from 2 submitters: Uncertain significance (2). Last evaluated 2023-11-27.

Allele frequency attached by ClinVar (database versions not stated): gnomAD exomes 0.00001; ExAC 0.00002; gnomAD 0.00009 and 0.00011; TOPMed 0.00012; ESP Exome Variant Server 0.00025.
gnomAD v4.1: 26 of 1,613,996 alleles (0.0016%); highest among the groups gnomAD compares: African/African-American, 0.032%; no homozygotes.

Submissions (2):

Labcorp Genetics (formerly Invitae), Labcorp
Classification: Uncertain significance. Last evaluated: 2023-11-27. Review status: criteria provided, single submitter. Criteria: Invitae Variant Classification Sherloc (09022015). Collection method: clinical testing. Allele origin: germline.
Comment: This sequence change replaces cysteine, which is neutral and slightly polar, with arginine, which is basic and polar, at codon 50 of the PCARE protein (p.Cys50Arg). This variant is present in population databases (rs201053697, gnomAD 0.02%). This variant has not been reported in the literature in individuals affected with PCARE-related conditions. ClinVar contains an entry for this variant (Variation ID: 1059333). An algorithm developed to predict the effect of missense changes on protein structure and function (PolyPhen-2) suggests that this variant¬†is likely to be tolerated. In summary, the available evidence is currently insufficient to determine the role of this variant in disease. Therefore, it has been classified as a Variant of Uncertain Significance.

Blueprint Genetics
Classification: Uncertain significance. Last evaluated: 2022-12-01. Review status: criteria provided, single submitter. Criteria: ACMG Guidelines, 2015. Collection method: clinical testing. Allele origin: germline.

NM_001029883.3(PCARE):c.148T>C (p.Cys50Arg)

Gene: PCARE (photoreceptor cilium actin regulator; minus strand). Cytogenetic location: 2p23.2.
Variant type: single nucleotide variant.
Coding change: c.148T>C on transcript NM_001029883.3 (MANE Select); coding-DNA position 148, T replaced by C.
Protein change: p.Cys50Arg; replaces cysteine 50 with arginine.
Molecular consequence: missense variant.
Genome position (GRCh38, 1-based): chr2:29,074,114, A>G on the plus strand (T>C on the coding strand, the complement: PCARE is on the minus strand). VCF-style: chr2-29074114-A-G. GRCh37 (hg19) VCF-style: chr2-29296980-A-G.
Other names: short protein forms C50R.
Identifiers: ClinVar variation 1059333 (VCV001059333.7), dbSNP rs201053697, ClinGen allele CA1592708.
Genomic context (GRCh38, chr2:29,074,114, plus strand): 5'-TGGTTTGGTTCCTCCTGGGACTTGGCTGCTCCTCTGCCAGGCCCTCCCCAGCGTCATAGC[A>G]GGTGGAGTTTTTAACCAGCAAAGGGATGGAACCTCTTTCACTTCCGCCCTGACATCCTGG-3'
Protein context (NP_001025054.1, residues 40-60): SIPLLVKNST[Cys50Arg]YDAGEGLAEE